The following is an entry in ClinVar:

ClinVar aggregate classification (germline): Likely pathogenic (1 of 4 stars; one submission).

Conditions:
Alternating hemiplegia of childhood 2 (AHC2). Also called: Alternating Hemiplegia of Childhood (AHC). Identifiers: Orphanet 2131, MedGen C3553788, MONDO:0013900, OMIM 614820.

Submission:

Juno Genomics, Hangzhou Juno Genomics, Inc
Classification: Likely pathogenic for Alternating hemiplegia of childhood 2. Review status: criteria provided, single submitter. Criteria: ACMG Guidelines, 2015. Collection method: clinical testing. Allele origin: germline. Affected: yes.
Comment: Absent from controls (or at extremely low frequency if recessive) in Genome Aggregation Database, Exome Sequencing Project, 1000 Genomes Project, or Exome Aggregation Consortium.;Multiple lines of computational evidence support a deleterious effect on the gene or gene product (conservation, evolutionary, splicing impact, etc).;Missense variant in a gene that has a low rate of benign missense variation and where missense variants are a common mechanism of disease.;The prevalence of the variant in affected individuals is significantly increased compared to the prevalence in controls.;Patient's phenotype or family history is highly specific for a disease with a single genetic etiology.

NM_152296.5(ATP1A3):c.1790G>C (p.Arg597Pro)

Gene: ATP1A3 (ATPase Na+/K+ transporting subunit alpha 3; minus strand). Cytogenetic location: 19q13.2.
Variant type: single nucleotide variant.
Coding change: c.1790G>C on transcript NM_152296.5 (MANE Select); coding-DNA position 1790, G replaced by C.
Protein change: p.Arg597Pro; replaces arginine 597 with proline.
Molecular consequence: missense variant.
Genome position (GRCh38, 1-based): chr19:41,978,167, C>G on the plus strand (G>C on the coding strand, the complement: ATP1A3 is on the minus strand). VCF-style: chr19-41978167-C-G. GRCh37 (hg19) VCF-style: chr19-42482319-C-G.
Other names: c.1823G>C, p.Arg608Pro (NM_001256213.2); c.1829G>C, p.Arg610Pro (NM_001256214.2); short protein forms R597P, R608P, R610P.
Identifiers: ClinVar variation 3382223 (VCV003382223.2).